The following is an entry in ClinVar:

NM_002430.3(MN1):c.1590_1619dup (p.Gln550_Arg551insGlnGlnGlnGlnGlnGlnGlnGlnGlnGln)

Gene: MN1 (MN1 proto-oncogene, transcriptional regulator; minus strand). Cytogenetic location: 22q12.1.
Variant type: Duplication.
Coding change: c.1590_1619dup on transcript NM_002430.3 (MANE Select); coding-DNA positions 1590 to 1619, 30 bases duplicated (GCAGCAGCAACAGCAGCAGCAGCAGCAGCA).
Protein change: p.Gln550_Arg551insGlnGlnGlnGlnGlnGlnGlnGlnGlnGln.
Genome position (GRCh38, 1-based): chr22:27,798,925-27,798,954, TGCTGCTGCTGCTGCTGCTGTTGCTGCTGC duplicated on the plus strand (GCAGCAGCAACAGCAGCAGCAGCAGCAGCA on the coding strand, the reverse complement: MN1 is on the minus strand); duplicating any 30 consecutive bases within chr22:27,798,925-27,798,978 gives the same sequence; the c. name uses the placement nearest the transcript's 3' end. VCF-style (leftmost placement, unchanged base first): chr22-27798924-T-TTGCTGCTGCTGCTGCTGCTGTTGCTGCTGC. GRCh37 (hg19) VCF-style: chr22-28194912-T-TTGCTGCTGCTGCTGCTGCTGTTGCTGCTGC.
Identifiers: ClinVar variation 4537571 (VCV004537571.1).

ClinVar aggregate classification (germline): Uncertain significance (1 of 4 stars; one submission).

Submission:

GeneDx
Classification: Uncertain significance. Last evaluated: 2025-06-07. Review status: criteria provided, single submitter. Criteria: GeneDx Variant Classification Process June 2021. Collection method: clinical testing. Allele origin: germline. Affected: yes.
Comment: Not observed at significant frequency in large population cohorts (gnomAD); In-frame duplication of 10 amino acid(s) in a repetitive region with no known function; Has not been previously published as pathogenic or benign to our knowledge